The following is an entry in ClinVar:

ClinVar aggregate classification (germline): not provided (0 of 4 stars; one submission).

Conditions:
Familial cancer of breast. Also called: BREAST CANCER, FAMILIAL; hereditary breast carcinoma; Hereditary breast cancer. Identifiers: Orphanet 227535, MedGen C0346153, MONDO:0016419, OMIM 114480. Disease mechanism: loss of function.

Submission:

Laboratory of Translational Genomics,  National Cancer Institute
No classification provided. Condition: Familial cancer of breast. Review status: no classification provided. Collection method: not provided. Allele origin: somatic.
Comment: Breast Cancer specimen

NM_006218.4(PIK3CA):c.1571G>A (p.Arg524Lys)

Gene: PIK3CA (phosphatidylinositol-4,5-bisphosphate 3-kinase catalytic subunit alpha; plus strand). Cytogenetic location: 3q26.32.
Variant type: single nucleotide variant.
Coding change: c.1571G>A on transcript NM_006218.4 (MANE Select); coding-DNA position 1571, G replaced by A.
Protein change: p.Arg524Lys; replaces arginine 524 with lysine.
Molecular consequence: missense variant.
Genome position (GRCh38, 1-based): chr3:179,218,241, G>A. VCF-style: chr3-179218241-G-A. GRCh37 (hg19) VCF-style: chr3-178936029-G-A.
Other names: short protein forms R524K.
Identifiers: ClinVar variation 132954 (VCV000132954.2), dbSNP rs104885999, ClinGen allele CA269862.
Genomic context (GRCh38, chr3:179,218,241, plus strand): 5'-GCTATATAAGATATTATTTTATTTTACAGAGTAACAGACTAGCTAGAGACAATGAATTAA[G>A]GGAAAATGACAAAGAACAGCTCAAAGCAATTTCTACACGAGATCCTCTCTCTGAAATCAC-3'
Protein context (NP_006209.2, residues 514-534): SNRLARDNEL[Arg524Lys]ENDKEQLKAI